The following is an entry in ClinVar:

NM_173651.4(FSIP2):c.13088T>C (p.Phe4363Ser)

Gene: FSIP2 (fibrous sheath interacting protein 2; plus strand). Cytogenetic location: 2q32.1.
Variant type: single nucleotide variant.
Coding change: c.13088T>C on transcript NM_173651.4 (MANE Select); coding-DNA position 13088, T replaced by C.
Protein change: p.Phe4363Ser; replaces phenylalanine 4363 with serine.
Molecular consequence: missense variant.
Genome position (GRCh38, 1-based): chr2:185,802,394, T>C. VCF-style: chr2-185802394-T-C. GRCh37 (hg19) VCF-style: chr2-186667121-T-C.
Other names: short protein forms F4363S.
Identifiers: ClinVar variation 3059670 (VCV003059670.2), dbSNP rs7605884, ClinGen allele CA2017029.
Genomic context (GRCh38, chr2:185,802,394, plus strand): 5'-ATAGGCATTTCAATAAAGCTAAAATTCACATTCTCTATGATGACAAAGAACAGGCTTTCT[T>C]TTCTTTCAATACAGATATTGTGGATGAACTTGCCACCTCAGTTTATAGAAATGCTTTAAA-3'
Protein context (NP_775922.3, residues 4353-4373): ILYDDKEQAF[Phe4363Ser]SFNTDIVDEL

ClinVar aggregate classification (germline): Benign (0 of 4 stars; one submission).

Conditions:
FSIP2-related disorder. Also called: FSIP2-related condition.

Allele frequency attached by ClinVar (database versions not stated): TOPMed 0.53241; 1000 Genomes Project 30x 0.53919; 1000 Genomes Project 0.54054; gnomAD exomes 0.54251; ExAC 0.58617.
gnomAD v4.1: 830,967 of 1,531,538 alleles (54%); highest among the groups gnomAD compares: South Asian, 64%; 226,962 homozygotes.

Submission:

PreventionGenetics, part of Exact Sciences
Classification: Benign for FSIP2-related condition. Last evaluated: 2019-10-17. Review status: no assertion criteria provided. Collection method: clinical testing. Allele origin: germline.
Comment: This variant is classified as benign based on ACMG/AMP sequence variant interpretation guidelines (Richards et al. 2015 PMID: 25741868, with internal and published modifications).